The following is an entry in ClinVar:

NM_001999.4(FBN2):c.6948C>G (p.Ile2316Met)

Gene: FBN2 (fibrillin 2; minus strand). Cytogenetic location: 5q23.3.
Variant type: single nucleotide variant.
Coding change: c.6948C>G on transcript NM_001999.4 (MANE Select); coding-DNA position 6948, C replaced by G.
Protein change: p.Ile2316Met; replaces isoleucine 2316 with methionine.
Molecular consequence: missense variant.
Genome position (GRCh38, 1-based): chr5:128,286,782, G>C on the plus strand (C>G on the coding strand, the complement: FBN2 is on the minus strand). VCF-style: chr5-128286782-G-C. GRCh37 (hg19) VCF-style: chr5-127622474-G-C.
Other names: short protein forms I2316M.
Identifiers: ClinVar variation 1309572 (VCV001309572.2), dbSNP rs17608368, ClinGen allele CA360758937.

ClinVar aggregate classification (germline): Uncertain significance (1 of 4 stars; one submission).

Submission:

GeneDx
Classification: Uncertain significance. Last evaluated: 2019-10-24. Review status: criteria provided, single submitter. Criteria: GeneDx Variant Classification Process June 2021. Collection method: clinical testing. Allele origin: germline. Affected: yes.
Comment: Not observed in large population cohorts (Lek et al., 2016); In silico analysis, which includes protein predictors and evolutionary conservation, supports that this variant does not alter protein structure/function; Has not been previously published as pathogenic or benign to our knowledge